The following is an entry in ClinVar:

ClinVar aggregate classification (germline): Uncertain significance. Review status: criteria provided, multiple submitters, no conflicts (2 of 4 stars). 3 submissions from 3 submitters: Uncertain significance (2). 1 of the submissions does not count toward it. Last evaluated 2024-05-06.

Conditions:
Inborn genetic diseases. Identifiers: MedGen C0950123, MeSH D030342.
Retinal dystrophy. Also called: Inherited retinal dystrophy. Identifiers: Orphanet 71862, MedGen C0854723, MeSH D058499, MONDO:0019118, HP:0000556.

Allele frequency attached by ClinVar (database versions not stated): gnomAD 0.00001; gnomAD exomes 0.00001; TOPMed 0.00001; ExAC 0.00002.
gnomAD v4.1: 22 of 1,610,540 alleles (0.0014%); highest among the groups gnomAD compares: Non-Finnish European, 0.0018%; no homozygotes.

Submissions (3):

Labcorp Genetics (formerly Invitae), Labcorp
Classification: Uncertain significance. Last evaluated: 2024-05-06. Review status: criteria provided, single submitter. Criteria: Invitae Variant Classification Sherloc (09022015). Collection method: clinical testing. Allele origin: germline.
Comment: This sequence change replaces glycine, which is neutral and non-polar, with alanine, which is neutral and non-polar, at codon 610 of the RBP3 protein (p.Gly610Ala). This variant is present in population databases (rs781924662, gnomAD 0.0009%). This variant has not been reported in the literature in individuals affected with RBP3-related conditions. ClinVar contains an entry for this variant (Variation ID: 1479327). An algorithm developed to predict the effect of missense changes on protein structure and function (PolyPhen-2) suggests that this variant is likely to be disruptive. In summary, the available evidence is currently insufficient to determine the role of this variant in disease. Therefore, it has been classified as a Variant of Uncertain Significance.

Ambry Genetics
Classification: Uncertain significance for Inborn genetic diseases. Last evaluated: 2023-12-27. Review status: criteria provided, single submitter. Criteria: Ambry Variant Classification Scheme 2023. Collection method: clinical testing. Allele origin: germline.

Institute of Human Genetics, Univ. Regensburg, Univ. Regensburg
Classification: Uncertain significance for Retinal dystrophy. Last evaluated: 2023-01-01. Review status: no assertion criteria provided. Criteria: ACMG Guidelines, 2015. Collection method: clinical testing. Allele origin: germline. Affected: yes. Not counted in ClinVar's aggregate classification.

NM_002900.3(RBP3):c.1829G>C (p.Gly610Ala)

Gene: RBP3 (retinol binding protein 3; plus strand). Cytogenetic location: 10q11.22.
Variant type: single nucleotide variant.
Coding change: c.1829G>C on transcript NM_002900.3 (MANE Select); coding-DNA position 1829, G replaced by C.
Protein change: p.Gly610Ala; replaces glycine 610 with alanine.
Molecular consequence: missense variant.
Genome position (GRCh38, 1-based): chr10:47,350,313, G>C. VCF-style: chr10-47350313-G-C. GRCh37 (hg19) VCF-style: chr10-48389049-C-G.
Other names: c.1829G>C (NM_002900.2); short protein forms G610A.
Identifiers: ClinVar variation 1479327 (VCV001479327.9), dbSNP rs781924662, ClinGen allele CA5487416.